The following is an entry in ClinVar:

NM_001267550.2(TTN):c.74378C>T (p.Ser24793Leu)

Genes: TTN (titin; minus strand), TTN-AS1 (TTN antisense RNA 1; plus strand). Cytogenetic location: 2q31.2.
Variant type: single nucleotide variant.
Coding change: c.74378C>T on transcript NM_001267550.2 (MANE Select); coding-DNA position 74378, C replaced by T.
Protein change: p.Ser24793Leu; replaces serine 24793 with leucine.
Molecular consequence: missense variant.
Genome position (GRCh38, 1-based): chr2:178,571,754, G>A on the plus strand (C>T on the coding strand, the complement: TTN is on the minus strand). VCF-style: chr2-178571754-G-A. GRCh37 (hg19) VCF-style: chr2-179436481-G-A.
Other names: c.69455C>T, p.Ser23152Leu (NM_001256850.1); c.47183C>T, p.Ser15728Leu (NM_003319.4); c.66674C>T, p.Ser22225Leu (NM_133378.4); c.47558C>T, p.Ser15853Leu (NM_133432.3); c.47759C>T, p.Ser15920Leu (NM_133437.4); short protein forms S15728L, S15853L, S15920L, S22225L, S23152L, S24793L.
Identifiers: ClinVar variation 1200461 (VCV001200461.10), dbSNP rs766741890, ClinGen allele CA1990205.

ClinVar aggregate classification (germline): Conflicting classifications of pathogenicity. Review status: criteria provided, conflicting classifications (1 of 4 stars). 5 submissions from 5 submitters: Uncertain significance (2); Likely benign (1). 2 of the submissions do not count toward it. Last evaluated 2020-03-09.

Conditions:
Cardiovascular phenotype. Identifiers: MedGen CN230736.

Allele frequency attached by ClinVar (database versions not stated): ExAC 0.00002; gnomAD 0.00002; gnomAD exomes 0.00002 and 0.00003; TOPMed 0.00005.

Submissions (5):

Ambry Genetics
Classification: Uncertain significance for Cardiovascular phenotype. Last evaluated: 2020-03-09. Review status: criteria provided, single submitter. Criteria: Ambry Variant Classification Scheme 2023. Collection method: clinical testing. Allele origin: germline.
Comment: The p.S15728L variant (also known as c.47183C>T), located in coding exon 153 of the TTN gene, results from a C to T substitution at nucleotide position 47183. The serine at codon 15728 is replaced by leucine, an amino acid with dissimilar properties. This amino acid position is not well conserved in available vertebrate species. In addition, this alteration is predicted to be tolerated by in silico analysis. Since supporting evidence is limited at this time, the clinical significance of this alteration remains unclear.

GeneDx
Classification: Likely benign. Last evaluated: 2020-02-03. Review status: criteria provided, single submitter. Criteria: GeneDx Variant Classification Process June 2021. Collection method: clinical testing. Allele origin: germline. Affected: yes.

Revvity Omics, Revvity
Classification: Uncertain significance. Last evaluated: 2019-06-19. Review status: criteria provided, single submitter. Criteria: ACMG Guidelines, 2015. Collection method: clinical testing. Allele origin: germline.

Clinical Genetics, Academic Medical Center
Classification: Uncertain significance. Review status: no assertion criteria provided. Collection method: clinical testing. Allele origin: germline. Affected: yes. Study: VKGL Data-share Consensus. Not counted in ClinVar's aggregate classification.

Diagnostic Laboratory, Department of Genetics, University Medical Center Groningen
Classification: Uncertain significance. Review status: no assertion criteria provided. Collection method: clinical testing. Allele origin: germline. Affected: yes. Study: VKGL Data-share Consensus. Not counted in ClinVar's aggregate classification.